The following is an entry in ClinVar:

NM_182931.3(KMT2E):c.1888-13T>C

Gene: KMT2E (lysine methyltransferase 2E (inactive); plus strand). Cytogenetic location: 7q22.3.
Variant type: single nucleotide variant.
Coding change: c.1888-13T>C on transcript NM_182931.3 (MANE Select); 13 bases into the intron before coding-DNA position 1888, T replaced by C.
Molecular consequence: intron variant.
Genome position (GRCh38, 1-based): chr7:105,101,873, T>C. VCF-style: chr7-105101873-T-C. GRCh37 (hg19) VCF-style: chr7-104742320-T-C.
Other names: c.1888-13T>C (NM_018682.4).
Identifiers: ClinVar variation 1878845 (VCV001878845.1), dbSNP rs2536492660, ClinGen allele CA2580076082.

ClinVar aggregate classification (germline): Uncertain significance (1 of 4 stars; one submission).

Submission:

GeneDx
Classification: Uncertain significance. Last evaluated: 2022-07-13. Review status: criteria provided, single submitter. Criteria: GeneDx Variant Classification Process June 2021. Collection method: clinical testing. Allele origin: germline. Affected: yes.
Comment: Not observed at significant frequency in large population cohorts (gnomAD); In silico analysis supports that this variant does not alter splicing; Has not been previously published as pathogenic or benign to our knowledge